The following is an entry in ClinVar:

NM_031448.6(C19orf12):c.-11+214C>T

Genes: C19orf12 (chromosome 19 open reading frame 12; minus strand), LOC130064129 (ATAC-STARR-seq lymphoblastoid silent region 10465; plus strand). Cytogenetic location: 19q12.
Variant type: single nucleotide variant.
Coding change: c.-11+214C>T on transcript NM_031448.6 (MANE Select); 214 bases into the intron after 11 bases upstream of the start codon, C replaced by T.
Molecular consequence: intron variant. On other transcripts: 5 prime UTR variant (2).
Genome position (GRCh38, 1-based): chr19:29,714,911, G>A on the plus strand (C>T on the coding strand, the complement: C19orf12 is on the minus strand). VCF-style: chr19-29714911-G-A. GRCh37 (hg19) VCF-style: chr19-30205818-G-A.
Other names: c.-15C>T (NM_001031726.4); c.-37C>T (NM_001282929.1); c.-11+652C>T (NM_001256047.2); c.-33+214C>T (NM_001282930.3); c.-11+214C>T (NM_001256046.3); c.-324+214C>T (NM_001282931.3).
Identifiers: ClinVar variation 2419658 (VCV002419658.7), dbSNP rs926204390, ClinGen allele CA306793478.
Genomic context (GRCh38, chr19:29,714,911, plus strand): 5'-CTCCTGGGTGACAGCGAGCCAGGGCCCGGGACTCTAGTCCCAGCTCTGCTGCTTACTTGT[G>A]TGACTTCAGCCTCTCCATGCCTCAGTTTCTCCATAGGGACAATGACTACACTAACAGTGT-3'

ClinVar aggregate classification (germline): Uncertain significance (1 of 4 stars; one submission).

Conditions:
Hereditary spastic paraplegia 43. Also called: Spastic paraplegia 43, autosomal recessive. Identifiers: Orphanet 320370, MedGen C2680446, MONDO:0014024, OMIM 615043.

Allele frequency attached by ClinVar (database versions not stated): gnomAD 0.00001; TOPMed 0.00001.
gnomAD v4.1: 2 of 683,008 alleles (0.00029%); highest among the groups gnomAD compares: Non-Finnish European, 0.00027%; no homozygotes.

Submission:

Labcorp Genetics (formerly Invitae), Labcorp
Classification: Uncertain significance for Hereditary spastic paraplegia 43. Last evaluated: 2022-12-20. Review status: criteria provided, single submitter. Criteria: Invitae Variant Classification Sherloc (09022015). Collection method: clinical testing. Allele origin: germline.
Comment: In summary, the available evidence is currently insufficient to determine the role of this variant in disease. Therefore, it has been classified as a Variant of Uncertain Significance. Algorithms developed to predict the effect of missense changes on protein structure and function are either unavailable or do not agree on the potential impact of this missense change (SIFT: "Deleterious"; PolyPhen-2: "Benign"; Align-GVGD: "Class C0"). This variant has not been reported in the literature in individuals affected with C19orf12-related conditions. This variant is not present in population databases (gnomAD no frequency). This sequence change replaces histidine, which is basic and polar, with tyrosine, which is neutral and polar, at codon 7 of the C19orf12 protein (p.His7Tyr).